The following is an entry in ClinVar:

NM_004006.3(DMD):c.1682_1683del (p.Trp561fs)

Gene: DMD (dystrophin; minus strand). Cytogenetic location: Xp21.1.
Variant type: Deletion.
Coding change: c.1682_1683del on transcript NM_004006.3 (MANE Select); coding-DNA positions 1682 to 1683, 2 bases deleted (GG; older notation c.1682_1683delGG).
Protein change: p.Trp561fs; shifts the reading frame from tryptophan 561.
Molecular consequence: frameshift variant.
Genome position (GRCh38, 1-based): chrX:32,573,766-32,573,767, CC deleted on the plus strand (GG on the coding strand, the reverse complement: DMD is on the minus strand). VCF-style (leftmost placement, unchanged base first): chrX-32573765-GCC-G. GRCh37 (hg19) VCF-style: chrX-32591882-GCC-G.
Other names: c.1658_1659del, p.Trp553fs (NM_000109.4); c.1670_1671del, p.Trp557fs (NM_004009.3); c.1313_1314del, p.Trp438fs (NM_004010.3); short protein forms W561fs, W438fs, W553fs, W557fs.
Identifiers: ClinVar variation 4735573 (VCV004735573.1).
Genomic context (GRCh38, chrX:32,573,765, plus strand): 5'-CCCCGTGTCTTTTACAGCTAGTTTCTCACACATGACACACCTGTTCTTCAGTAAGACGTT[GCC>G]ATTTGAGAAGGATGTCTTGTAAAAGAACCCAGCGGTCTTCTGTCCATCTACAGATGTTTG-3'

ClinVar aggregate classification (germline): Pathogenic (1 of 4 stars; one submission).

Conditions:
Duchenne muscular dystrophy (DMD). Also called: MUSCULAR DYSTROPHY, PSEUDOHYPERTROPHIC PROGRESSIVE, DUCHENNE TYPE; Duchenne Muscular Dystrophy (DMD). Identifiers: Orphanet 98896, MedGen C0013264, MONDO:0010679, OMIM 310200.

Submission:

Labcorp Genetics (formerly Invitae), Labcorp
Classification: Pathogenic for Duchenne muscular dystrophy. Last evaluated: 2026-01-20. Review status: criteria provided, single submitter. Criteria: Invitae Variant Classification Sherloc (09022015). Collection method: clinical testing. Allele origin: germline.
Comment: This sequence change creates a premature translational stop signal (p.Trp561Serfs*5) in the DMD gene. It is expected to result in an absent or disrupted protein product. Loss-of-function variants in DMD are known to be pathogenic (PMID: 16770791, 25007885). This variant is not present in population databases (gnomAD no frequency). This variant has not been reported in the literature in individuals affected with DMD-related conditions. For these reasons, this variant has been classified as Pathogenic.

Literature cited by the submitters: PubMed 16770791; PubMed 25007885.